The following is an entry in ClinVar:

NM_005215.4(DCC):c.91+7G>A

Gene: DCC (DCC netrin 1 receptor; plus strand). Cytogenetic location: 18q21.2.
Variant type: single nucleotide variant.
Coding change: c.91+7G>A on transcript NM_005215.4 (MANE Select); 7 bases into the intron after coding-DNA position 91, G replaced by A.
Molecular consequence: intron variant.
Genome position (GRCh38, 1-based): chr18:52,340,885, G>A. VCF-style: chr18-52340885-G-A. GRCh37 (hg19) VCF-style: chr18-49867255-G-A.
Identifiers: ClinVar variation 709096 (VCV000709096.7), dbSNP rs112558388, ClinGen allele CA8966449.
Genomic context (GRCh38, chr18:52,340,885, plus strand): 5'-TGGCTTTTGTACTCTTCGGAGCTTCCTTGTTCAGCGCGCATCTTCAAGTAACCGGTAAGT[G>A]GCTCTTTCCTTTCTTCTCGTCGCACCCCCTTCCGTACCCCACTTCCCTTCTCATTTCATT-3'

ClinVar aggregate classification (germline): Benign. Review status: criteria provided, multiple submitters, no conflicts (2 of 4 stars). 3 submissions from 3 submitters: Benign (2). 1 of the submissions does not count toward it. Last evaluated 2021-07-21.

Conditions:
Malignant tumor of esophagus. Also called: Esophageal cancer; Esophageal cancer, somatic. Identifiers: Orphanet 99977, MedGen C0546837, MONDO:0007576, OMIM 133239.
Mirror movements 1 (MRMV1). Identifiers: Orphanet 238722, MedGen C1834870, OMIM 157600, MONDO:0008002.
Colorectal cancer. Also called: Colorectal cancer, somatic; Malignant Colorectal Neoplasm. Identifiers: MedGen C0346629, MONDO:0005575, OMIM 114500.
Gaze palsy, familial horizontal, with progressive scoliosis, 2. Also called: GAZE PALSY, FAMILIAL HORIZONTAL, WITH PROGRESSIVE SCOLIOSIS 2, WITH IMPAIRED INTELLECTUAL DEVELOPMENT; DEVELOPMENTAL SPLIT-BRAIN SYNDROME. Identifiers: MedGen C4479640, MONDO:0054602, OMIM 617542.
DCC-related disorder. Also called: DCC-related condition.

Allele frequency attached by ClinVar (database versions not stated): gnomAD exomes 0.00179 and 0.00484; ExAC 0.00609; gnomAD 0.01911 and 0.02064; 1000 Genomes Project 0.02057; 1000 Genomes Project 30x 0.02124; TOPMed 0.02142; ESP Exome Variant Server 0.02237.

Submissions (3):

Fulgent Genetics
Classification: Benign for Colorectal cancer; Malignant tumor of esophagus; Mirror movements 1; Gaze palsy, familial horizontal, with progressive scoliosis, 2. Last evaluated: 2021-07-21. Review status: criteria provided, single submitter. Criteria: ACMG Guidelines, 2015. Collection method: clinical testing. Allele origin: unknown.

Labcorp Genetics (formerly Invitae), Labcorp
Classification: Benign. Last evaluated: 2019-12-31. Review status: criteria provided, single submitter. Criteria: Invitae Variant Classification Sherloc (09022015). Collection method: clinical testing. Allele origin: germline.

PreventionGenetics, part of Exact Sciences
Classification: Benign for DCC-related condition. Last evaluated: 2020-02-18. Review status: no assertion criteria provided. Collection method: clinical testing. Allele origin: germline. Not counted in ClinVar's aggregate classification.
Comment: This variant is classified as benign based on ACMG/AMP sequence variant interpretation guidelines (Richards et al. 2015 PMID: 25741868, with internal and published modifications).